The following is an entry in ClinVar:

ClinVar aggregate classification (germline): Pathogenic (1 of 4 stars; one submission).

Conditions:
GNPTG-mucolipidosis. Also called: ML III GAMMA; ML IIIC; MUCOLIPIDOSIS III, COMPLEMENTATION GROUP C; MUCOLIPIDOSIS III, IRANIAN VARIANT FORM; MUCOLIPIDOSIS III, VARIANT FORM; Mucolipidosis type III gamma. Identifiers: Orphanet 423470, Orphanet 577, MedGen C1854896, MONDO:0009652, OMIM 252605.

Submission:

Myriad Genetics, Inc.
Classification: Pathogenic for GNPTG-mucolipidosis. Last evaluated: 2025-07-14. Review status: criteria provided, single submitter. Criteria: Myriad Autosomal Dominant, Autosomal Recessive and X-Linked Classification Criteria (2023). Collection method: clinical testing. Allele origin: unknown.
Comment: NM_032520.4(GNPTG):c.450_451insTT(V151Lfs*12) is expected to be pathogenic in the context of mucolipidosis III gamma. This variant is predicted to lead to an abnormal or absent protein product due to the creation of a premature termination codon in GNPTG, a gene where loss-of-function variants are known to be pathogenic. Please note: this variant was assessed in the context of healthy population screening.

NM_032520.5(GNPTG):c.450_451insTT (p.Val151fs)

Gene: GNPTG (N-acetylglucosamine-1-phosphate transferase subunit gamma; plus strand). Cytogenetic location: 16p13.3.
Variant type: Insertion.
Coding change: c.450_451insTT on transcript NM_032520.5 (MANE Select); coding-DNA positions 450 to 451, TT inserted.
Protein change: p.Val151fs; shifts the reading frame from valine 151.
Molecular consequence: frameshift variant.
Genome position: GRCh38 VCF-style: chr16-1362243-A-ATT. GRCh37 (hg19) VCF-style: chr16-1412244-A-ATT.
Other names: short protein forms V151fs.
Identifiers: ClinVar variation 5014725 (VCV005014725.1).